The following is an entry in ClinVar:

ClinVar aggregate classification (germline): Uncertain significance. Review status: criteria provided, multiple submitters, no conflicts (2 of 4 stars). 3 submissions from 3 submitters: Uncertain significance (3). Last evaluated 2026-05-26.

Conditions:
Autosomal recessive nonsyndromic hearing loss 3. Also called: NEUROSENSORY NONSYNDROMIC RECESSIVE DEAFNESS 3. Identifiers: Orphanet 90636, MedGen C1838263, MONDO:0010860, OMIM 600316.
MYO15A-related disorder. Also called: MYO15A-related condition.

Allele frequency attached by ClinVar (database versions not stated): gnomAD 0.00001; gnomAD exomes 0.00001 and 0.00006; TOPMed 0.00001; ExAC 0.00003.
gnomAD v4.1: 81 of 1,612,596 alleles (0.005%); highest among the groups gnomAD compares: East Asian, 0.18%; 1 homozygote.

Submissions (3):

PreventionGenetics, part of Exact Sciences
Classification: Uncertain significance for MYO15A-related condition. Last evaluated: 2026-05-26. Review status: criteria provided, single submitter. Criteria: ACMG Guidelines, 2015. Collection method: clinical testing. Allele origin: germline.
Comment: The MYO15A c.671A>G variant is predicted to result in the amino acid substitution p.Tyr224Cys. This variant was reported in an individual with hearing loss without information on a second potentially causative MYO15A variant (Table S2, Miyagawa et al. 2013. PubMed ID: 23967202). This variant is reported in 0.017% of alleles in individuals of East Asian descent in gnomAD. At this time, the clinical significance of this variant is uncertain due to the absence of conclusive functional and genetic evidence.

Women's Health and Genetics/Laboratory Corporation of America, LabCorp
Classification: Uncertain significance. Last evaluated: 2024-05-13. Review status: criteria provided, single submitter. Criteria: LabCorp Variant Classification Summary - May 2015. Collection method: clinical testing. Allele origin: germline.
Comment: Variant summary: MYO15A c.671A>G (p.Tyr224Cys) results in a non-conservative amino acid change in the encoded protein sequence. Four of five in-silico tools predict a damaging effect of the variant on protein function. The variant allele was found at a frequency of 1.2e-05 in 246204 control chromosomes. The available data on variant occurrences in the general population are insufficient to allow any conclusion about variant significance. c.671A>G has been reported in the literature in at least one heterozygous individual with an unspecified second allele affected with Autosomal Recessive Nonsyndromic Hearing Loss 3 (Miyagawa_2013). These report(s) do not provide unequivocal conclusions about association of the variant with Autosomal Recessive Nonsyndromic Hearing Loss 3. To our knowledge, no experimental evidence demonstrating an impact on protein function has been reported. The following publication has been ascertained in the context of this evaluation (PMID: 23967202). ClinVar contains an entry for this variant (Variation ID: 322112). Based on the evidence outlined above, the variant was classified as uncertain significance.

Illumina Laboratory Services, Illumina
Classification: Uncertain significance for Autosomal recessive nonsyndromic hearing loss 3. Last evaluated: 2018-01-13. Review status: criteria provided, single submitter. Criteria: ICSL Variant Classification Criteria 13 December 2019. Collection method: clinical testing. Allele origin: germline.

Literature cited by the submitters: PubMed 23967202 (cited by Women's Health and Genetics/Laboratory Corporation of America, LabCorp).

NM_016239.4(MYO15A):c.671A>G (p.Tyr224Cys)

Gene: MYO15A (myosin XVA; plus strand). Cytogenetic location: 17p11.2.
Variant type: single nucleotide variant.
Coding change: c.671A>G on transcript NM_016239.4 (MANE Select); coding-DNA position 671, A replaced by G.
Protein change: p.Tyr224Cys; replaces tyrosine 224 with cysteine.
Molecular consequence: missense variant.
Genome position (GRCh38, 1-based): chr17:18,119,471, A>G. VCF-style: chr17-18119471-A-G. GRCh37 (hg19) VCF-style: chr17-18022785-A-G.
Other names: short protein forms Y224C.
Identifiers: ClinVar variation 322112 (VCV000322112.7), dbSNP rs779508600, ClinGen allele CA8422906.